The following is an entry in ClinVar:

ClinVar aggregate classification (germline): Uncertain significance. Review status: criteria provided, multiple submitters, no conflicts (2 of 4 stars). 2 submissions from 2 submitters: Uncertain significance (2). Last evaluated 2025-04-17.

Conditions:
Hereditary cancer-predisposing syndrome. Also called: Neoplastic Syndromes, Hereditary; Tumor predisposition; Hereditary Cancer Syndrome; Hereditary neoplastic syndrome. Identifiers: Orphanet 140162, MedGen C0027672, MeSH D009386, MONDO:0015356.
Gastrointestinal stromal tumor. Also called: Gastrointestinal stromal tumor, somatic; Gastrointestinal stroma tumor. Identifiers: Orphanet 44890, MedGen C0238198, MeSH D046152, MONDO:0011719, OMIM 606764, HP:0100723.

Submissions (2):

Labcorp Genetics (formerly Invitae), Labcorp
Classification: Uncertain significance for Gastrointestinal stromal tumor. Last evaluated: 2025-04-17. Review status: criteria provided, single submitter. Criteria: Invitae Variant Classification Sherloc (09022015). Collection method: clinical testing. Allele origin: germline.
Comment: This sequence change replaces lysine, which is basic and polar, with asparagine, which is neutral and polar, at codon 830 of the PDGFRA protein (p.Lys830Asn). This variant is not present in population databases (gnomAD no frequency). This variant has not been reported in the literature in individuals affected with PDGFRA-related conditions. ClinVar contains an entry for this variant (Variation ID: 1792059). Invitae Evidence Modeling of protein sequence and biophysical properties (such as structural, functional, and spatial information, amino acid conservation, physicochemical variation, residue mobility, and thermodynamic stability) indicates that this missense variant is not expected to disrupt PDGFRA protein function with a negative predictive value of 80%. In summary, the available evidence is currently insufficient to determine the role of this variant in disease. Therefore, it has been classified as a Variant of Uncertain Significance.

Ambry Genetics
Classification: Uncertain significance for Hereditary cancer-predisposing syndrome. Last evaluated: 2024-02-02. Review status: criteria provided, single submitter. Criteria: Ambry Variant Classification Scheme 2023. Collection method: clinical testing. Allele origin: germline.
Comment: The p.K830N variant (also known as c.2490A>T), located in coding exon 17 of the PDGFRA gene, results from an A to T substitution at nucleotide position 2490. The lysine at codon 830 is replaced by asparagine, an amino acid with similar properties. This amino acid position is highly conserved in available vertebrate species. In addition, the in silico prediction for this alteration is inconclusive. Since supporting evidence is limited at this time, the clinical significance of this alteration remains unclear.

NM_006206.6(PDGFRA):c.2490A>T (p.Lys830Asn)

Gene: PDGFRA (platelet derived growth factor receptor alpha; plus strand). Cytogenetic location: 4q12.
Variant type: single nucleotide variant.
Coding change: c.2490A>T on transcript NM_006206.6 (MANE Select); coding-DNA position 2490, A replaced by T.
Protein change: p.Lys830Asn; replaces lysine 830 with asparagine.
Molecular consequence: missense variant.
Genome position (GRCh38, 1-based): chr4:54,285,891, A>T. VCF-style: chr4-54285891-A-T. GRCh37 (hg19) VCF-style: chr4-55152058-A-T.
Other names: c.2565A>T, p.Lys855Asn (NM_001347828.2); c.2490A>T, p.Lys830Asn (NM_001347829.2); c.2529A>T, p.Lys843Asn (NM_001347830.2); short protein forms K843N, K855N, K830N.
Identifiers: ClinVar variation 1792059 (VCV001792059.7), dbSNP rs2110337815, ClinGen allele CA356894953.